The following is an entry in ClinVar:

ClinVar aggregate classification (germline): Uncertain significance (1 of 4 stars; one submission).

Conditions:
Cardiovascular phenotype. Identifiers: MedGen CN230736.

gnomAD v4.1: 3 of 1,613,044 alleles (0.00019%); highest among the groups gnomAD compares: Non-Finnish European, 0.00025%; no homozygotes.

Submission:

Ambry Genetics
Classification: Uncertain significance for Cardiovascular phenotype. Last evaluated: 2026-06-18. Review status: criteria provided, single submitter. Criteria: Ambry Variant Classification Scheme 2023. Collection method: clinical testing. Allele origin: germline.
Comment: The p.I2850T variant (also known as c.8549T>C), located in coding exon 26 of the APOB gene, results from a T to C substitution at nucleotide position 8549. The isoleucine at codon 2850 is replaced by threonine, an amino acid with similar properties. This amino acid position is conserved. In addition, this alteration is predicted to be tolerated by in silico analysis. Based on the available evidence, the clinical significance of this variant remains unclear.

NM_000384.3(APOB):c.8549T>C (p.Ile2850Thr)

Gene: APOB (apolipoprotein B; minus strand). Cytogenetic location: 2p24.1.
Variant type: single nucleotide variant.
Coding change: c.8549T>C on transcript NM_000384.3 (MANE Select); coding-DNA position 8549, T replaced by C.
Protein change: p.Ile2850Thr; replaces isoleucine 2850 with threonine.
Molecular consequence: missense variant.
Genome position (GRCh38, 1-based): chr2:21,008,319, A>G on the plus strand (T>C on the coding strand, the complement: APOB is on the minus strand). VCF-style: chr2-21008319-A-G. GRCh37 (hg19) VCF-style: chr2-21231191-A-G.
Other names: short protein forms I2850T.
Identifiers: ClinVar variation 5026891 (VCV005026891.1).